The following is an entry in ClinVar:

NM_182914.3(SYNE2):c.14104C>A (p.Pro4702Thr)

Gene: SYNE2 (spectrin repeat containing nuclear envelope protein 2; plus strand). Cytogenetic location: 14q23.2.
Variant type: single nucleotide variant.
Coding change: c.14104C>A on transcript NM_182914.3 (MANE Select); coding-DNA position 14104, C replaced by A.
Protein change: p.Pro4702Thr; replaces proline 4702 with threonine.
Molecular consequence: missense variant.
Genome position (GRCh38, 1-based): chr14:64,129,866, C>A. VCF-style: chr14-64129866-C-A. GRCh37 (hg19) VCF-style: chr14-64596584-C-A.
Other names: c.14104C>A, p.Pro4702Thr (NM_015180.6); short protein forms P4702T.
Identifiers: ClinVar variation 538334 (VCV000538334.9), dbSNP rs111880729, ClinGen allele CA261852898.

ClinVar aggregate classification (germline): Uncertain significance (1 of 4 stars; one submission).

Conditions:
Emery-Dreifuss muscular dystrophy 5, autosomal dominant (EDMD5). Also called: EMERY-DREIFUSS MUSCULAR DYSTROPHY 5. Identifiers: Orphanet 261, MedGen C2751805, MONDO:0013072, OMIM 612999.

Allele frequency attached by ClinVar (database versions not stated): gnomAD exomes below 0.00001 and 0.00002; gnomAD 0.00009 and 0.00010; TOPMed 0.00009.
gnomAD v4.1: 75 of 1,614,120 alleles (0.0046%); highest among the groups gnomAD compares: African/African-American, 0.053%; 3 homozygotes.

Submission:

Labcorp Genetics (formerly Invitae), Labcorp
Classification: Uncertain significance for Emery-Dreifuss muscular dystrophy 5, autosomal dominant. Last evaluated: 2025-11-21. Review status: criteria provided, single submitter. Criteria: Invitae Variant Classification Sherloc (09022015). Collection method: clinical testing. Allele origin: germline.
Comment: This sequence change replaces proline, which is neutral and non-polar, with threonine, which is neutral and polar, at codon 4702 of the SYNE2 protein (p.Pro4702Thr). This variant is present in population databases (rs111880729, gnomAD 0.02%). This variant has not been reported in the literature in individuals affected with SYNE2-related conditions. ClinVar contains an entry for this variant (Variation ID: 538334). An algorithm developed to predict the effect of missense changes on protein structure and function (PolyPhen-2) suggests that this variant is likely to be disruptive. In summary, the available evidence is currently insufficient to determine the role of this variant in disease. Therefore, it has been classified as a Variant of Uncertain Significance.